The following is an entry in ClinVar:

NM_005560.6(LAMA5):c.5269G>A (p.Val1757Ile)

Gene: LAMA5 (laminin subunit alpha 5; minus strand). Cytogenetic location: 20q13.33.
Variant type: single nucleotide variant.
Coding change: c.5269G>A on transcript NM_005560.6 (MANE Select); coding-DNA position 5269, G replaced by A.
Protein change: p.Val1757Ile; replaces valine 1757 with isoleucine.
Molecular consequence: missense variant.
Genome position (GRCh38, 1-based): chr20:62,326,706, C>T on the plus strand (G>A on the coding strand, the complement: LAMA5 is on the minus strand). VCF-style: chr20-62326706-C-T. GRCh37 (hg19) VCF-style: chr20-60901762-C-T.
Other names: p.Val1757Ile; short protein forms V1757I.
Identifiers: ClinVar variation 1617611 (VCV001617611.10), dbSNP rs11699758, ClinGen allele CA9942258.

ClinVar aggregate classification (germline): Benign. Review status: criteria provided, multiple submitters, no conflicts (2 of 4 stars). 3 submissions from 3 submitters: Benign (3). Last evaluated 2026-01-24.

Allele frequency attached by ClinVar (database versions not stated): 1000 Genomes Project 0.01458; 1000 Genomes Project 30x 0.01546; ExAC 0.02379; gnomAD exomes 0.02386 and 0.02978; TOPMed 0.02673; gnomAD 0.02706 and 0.02824; ESP Exome Variant Server 0.02715.
gnomAD v4.1: 47,420 of 1,612,684 alleles (2.9%); highest among the groups gnomAD compares: Non-Finnish European, 3.3%; 760 homozygotes.

Submissions (3):

Labcorp Genetics (formerly Invitae), Labcorp
Classification: Benign. Last evaluated: 2026-01-24. Review status: criteria provided, single submitter. Criteria: Invitae Variant Classification Sherloc (09022015). Collection method: clinical testing. Allele origin: germline.

Mayo Clinic Laboratories, Mayo Clinic
Classification: Benign. Last evaluated: 2023-08-11. Review status: criteria provided, single submitter. Criteria: ACMG Guidelines, 2015. Collection method: clinical testing. Allele origin: germline. Observed: 8 variant alleles.
Comment: BS1, BS2, BP4

Breakthrough Genomics
Classification: Benign. Review status: criteria provided, single submitter. Criteria: ACMG Guidelines, 2015. Collection method: not provided. Allele origin: germline. Inheritance: Autosomal recessive inheritance. Affected: yes.